The following is an entry in ClinVar:

NM_000199.5(SGSH):c.335G>C (p.Ser112Thr)

Gene: SGSH (N-sulfoglucosamine sulfohydrolase; minus strand). Cytogenetic location: 17q25.3.
Variant type: single nucleotide variant.
Coding change: c.335G>C on transcript NM_000199.5 (MANE Select); coding-DNA position 335, G replaced by C.
Protein change: p.Ser112Thr; replaces serine 112 with threonine.
Molecular consequence: missense variant.
Genome position (GRCh38, 1-based): chr17:80,215,053, C>G on the plus strand (G>C on the coding strand, the complement: SGSH is on the minus strand). VCF-style: chr17-80215053-C-G. GRCh37 (hg19) VCF-style: chr17-78188852-C-G.
Other names: c.335G>C, p.Ser112Thr (NM_001352921.3, NM_001352922.2); short protein forms S112T.
Identifiers: ClinVar variation 1436229 (VCV001436229.5), dbSNP rs773947080, ClinGen allele CA8818080.

ClinVar aggregate classification (germline): Uncertain significance (1 of 4 stars; one submission).

Conditions:
Mucopolysaccharidosis, MPS-III-A (MPS3A). Also called: HEPARAN SULFATE SULFATASE DEFICIENCY; SANFILIPPO SYNDROME A; SULFAMIDASE DEFICIENCY; MPS III A; MPS IIIA (Sanfilippo Syndrome Type A); Mucopolysaccharidosis type IIIA (Sanfilippo A). Identifiers: Orphanet 581, Orphanet 79269, MedGen C0086647, MONDO:0009655, OMIM 252900.

Allele frequency attached by ClinVar (database versions not stated): ExAC 0.00001; gnomAD exomes below 0.00001.
gnomAD v4.1: 1 of 1,611,600 alleles (0.000062%); highest among the groups gnomAD compares: Admixed American, 0.0017%; no homozygotes.

Submission:

Labcorp Genetics (formerly Invitae), Labcorp
Classification: Uncertain significance for Mucopolysaccharidosis, MPS-III-A. Last evaluated: 2022-09-07. Review status: criteria provided, single submitter. Criteria: Invitae Variant Classification Sherloc (09022015). Collection method: clinical testing. Allele origin: germline.
Comment: This sequence change replaces serine, which is neutral and polar, with threonine, which is neutral and polar, at codon 112 of the SGSH protein (p.Ser112Thr). This variant is present in population databases (rs773947080, gnomAD 0.003%). This variant has not been reported in the literature in individuals affected with SGSH-related conditions. ClinVar contains an entry for this variant (Variation ID: 1436229). Algorithms developed to predict the effect of missense changes on protein structure and function (SIFT, PolyPhen-2, Align-GVGD) all suggest that this variant is likely to be tolerated. In summary, the available evidence is currently insufficient to determine the role of this variant in disease. Therefore, it has been classified as a Variant of Uncertain Significance.